The following is an entry in ClinVar:

NM_007294.4(BRCA1):c.3157del (p.Glu1053fs)

Gene: BRCA1 (BRCA1 DNA repair associated; minus strand). Cytogenetic location: 17q21.31.
Variant type: Deletion.
Coding change: c.3157del on transcript NM_007294.4 (MANE Select); coding-DNA position 3157, one base deleted (G; older notation c.3157delG).
Protein change: p.Glu1053fs; shifts the reading frame from glutamic acid 1053.
Molecular consequence: frameshift variant. On other transcripts: intron variant (137).
Genome position (GRCh38, 1-based): chr17:43,092,374, C deleted on the plus strand (G on the coding strand, the reverse complement: BRCA1 is on the minus strand). VCF-style (leftmost placement, unchanged base first): chr17-43092373-TC-T. GRCh37 (hg19) VCF-style: chr17-41244390-TC-T.
Other names: c.668-1342del (NM_001408424.1, NM_001408421.1, NM_001408431.1); c.785-1342del (NM_001408407.1, NM_001408402.1, NM_001408473.1 and 13 more transcripts); c.665-1342del (NM_001408443.1, NM_001408439.1, NM_001408425.1 and 12 more transcripts); c.671-1342del (NM_001408419.1, NM_001408422.1, NM_001408418.1 and 2 more transcripts); c.788-1342del (NM_001408403.1, NM_001407983.1, NM_001407975.1 and 17 more transcripts); c.791-1351del (NM_001408406.1); c.647-1342del (NM_001408456.1, NM_001408410.1, NM_001408458.1 and 11 more transcripts); c.644-1342del (NM_001408465.1, NM_001408463.1, NM_001408462.1 and 3 more transcripts); and 41 more; short protein forms E1006fs, E1053fs, E1011fs, E1012fs, E757fs, E885fs, E925fs, E941fs.
Identifiers: ClinVar variation 54783 (VCV000054783.12), dbSNP rs397509041, ClinGen allele CA002057.

ClinVar aggregate classification (germline): Pathogenic. Review status: reviewed by expert panel (3 of 4 stars). 3 submissions from 3 submitters: Pathogenic (1). 2 of the submissions do not count toward it. Last evaluated 2017-12-15.

Conditions:
Hereditary breast ovarian cancer syndrome. Also called: Hereditary breast and ovarian cancer syndrome (HBOC); Hereditary breast and ovarian cancer syndrome; Hereditary breast and ovarian cancer; Hereditary breast and/or ovarian cancer syndrome; Breast and ovarian cancer; BRCA1- and BRCA2-Associated Hereditary Breast and Ovarian Cancer. Identifiers: Orphanet 145, MedGen C0677776, MeSH D061325, MONDO:0003582. Disease mechanism: loss of function.
Breast-ovarian cancer, familial, susceptibility to, 1 (BROVCA1). Also called: OVARIAN CANCER, SUSCEPTIBILITY TO; BRCA1 Hereditary Breast and Ovarian Cancer. Identifiers: Orphanet 145, MedGen C2676676, MONDO:0011450, OMIM 604370. Disease mechanism: loss of function.
Familial cancer of breast. Also called: Hereditary breast cancer; hereditary breast carcinoma; BREAST CANCER, FAMILIAL. Identifiers: Orphanet 227535, MedGen C0346153, MONDO:0016419, OMIM 114480. Disease mechanism: loss of function.

Submissions (3):

Evidence-based Network for the Interpretation of Germline Mutant Alleles (ENIGMA)
Classification: Pathogenic for Breast-ovarian cancer, familial, susceptibility to, 1. Last evaluated: 2017-12-15. Review status: reviewed by expert panel. Criteria: ENIGMA BRCA1/2 Classification Criteria (2017-06-29). Collection method: curation. Allele origin: germline. Study: ENIGMA.
Comment: Variant allele predicted to encode a truncated non-functional protein.

Labcorp Genetics (formerly Invitae), Labcorp
Classification: Pathogenic for Hereditary breast ovarian cancer syndrome. Last evaluated: 2017-08-25. Review status: criteria provided, single submitter. Criteria: Invitae Variant Classification Sherloc (09022015). Collection method: clinical testing. Allele origin: germline. Not counted in ClinVar's aggregate classification.
Comment: For these reasons, this variant has been classified as Pathogenic. Loss-of-function variants in BRCA1 are known to be pathogenic (PMID: 20104584). This variant has been reported in the literature an individual with ovarian cancer (PMID: 19499246). This variant is also known as 3276delG (exon 11) in the literature. ClinVar contains an entry for this variant (Variation ID: 54783). This variant is not present in population databases (ExAC no frequency). This sequence change creates a premature translational stop signal (p.Glu1053Lysfs*9) in the BRCA1 gene. It is expected to result in an absent or disrupted protein product.

ClinVar Staff, National Center for Biotechnology Information (NCBI)
No classification provided. Condition: Familial cancer of breast. Review status: no classification provided. Collection method: literature only. Allele origin: germline. Affected: yes. Not counted in ClinVar's aggregate classification.

Literature cited by the submitters: PubMed 20104584 (cited by Labcorp Genetics (formerly Invitae), Labcorp); PubMed 19499246 (cited by Labcorp Genetics (formerly Invitae), Labcorp and ClinVar Staff, National Center for Biotechnology Information (NCBI)).